The following is an entry in ClinVar:

ClinVar aggregate classification (germline): Uncertain significance (1 of 4 stars; one submission).

Conditions:
Oligodontia-cancer predisposition syndrome. Also called: TOOTH AGENESIS-COLORECTAL CANCER SYNDROME. Identifiers: Orphanet 300576, MedGen C1837750, MONDO:0012075, OMIM 608615. Disease mechanism: loss of function.

Submission:

Labcorp Genetics (formerly Invitae), Labcorp
Classification: Uncertain significance for Oligodontia-cancer predisposition syndrome. Last evaluated: 2024-03-04. Review status: criteria provided, single submitter. Criteria: Invitae Variant Classification Sherloc (09022015). Collection method: clinical testing. Allele origin: germline.
Comment: This sequence change replaces leucine, which is neutral and non-polar, with proline, which is neutral and non-polar, at codon 688 of the AXIN2 protein (p.Leu688Pro). This variant is not present in population databases (gnomAD no frequency). This variant has not been reported in the literature in individuals affected with AXIN2-related conditions. Advanced modeling of protein sequence and biophysical properties (such as structural, functional, and spatial information, amino acid conservation, physicochemical variation, residue mobility, and thermodynamic stability) performed at Invitae indicates that this missense variant is not expected to disrupt AXIN2 protein function with a negative predictive value of 80%. In summary, the available evidence is currently insufficient to determine the role of this variant in disease. Therefore, it has been classified as a Variant of Uncertain Significance.

NM_004655.4(AXIN2):c.2063T>C (p.Leu688Pro)

Gene: AXIN2 (axin 2; minus strand). Cytogenetic location: 17q24.1.
Variant type: single nucleotide variant.
Coding change: c.2063T>C on transcript NM_004655.4 (MANE Select); coding-DNA position 2063, T replaced by C.
Protein change: p.Leu688Pro; replaces leucine 688 with proline.
Molecular consequence: missense variant.
Genome position (GRCh38, 1-based): chr17:65,536,398, A>G on the plus strand (T>C on the coding strand, the complement: AXIN2 is on the minus strand). VCF-style: chr17-65536398-A-G. GRCh37 (hg19) VCF-style: chr17-63532516-A-G.
Other names: c.1868T>C, p.Leu623Pro (NM_001363813.1); short protein forms L688P, L623P.
Identifiers: ClinVar variation 3631886 (VCV003631886.2).